The following is an entry in ClinVar:

NM_013436.5(NCKAP1):c.979T>G (p.Cys327Gly)

Gene: NCKAP1 (NCK associated protein 1; minus strand). Cytogenetic location: 2q32.1.
Variant type: single nucleotide variant.
Coding change: c.979T>G on transcript NM_013436.5 (MANE Select); coding-DNA position 979, T replaced by G.
Protein change: p.Cys327Gly; replaces cysteine 327 with glycine.
Molecular consequence: missense variant.
Genome position (GRCh38, 1-based): chr2:182,986,196, A>C on the plus strand (T>G on the coding strand, the complement: NCKAP1 is on the minus strand). VCF-style: chr2-182986196-A-C. GRCh37 (hg19) VCF-style: chr2-183850924-A-C.
Other names: c.997T>G, p.Cys333Gly (NM_205842.3); short protein forms C327G, C333G.
Identifiers: ClinVar variation 3777480 (VCV003777480.1).

ClinVar aggregate classification (germline): Uncertain significance (1 of 4 stars; one submission).

gnomAD v4.1: 4 of 1,613,742 alleles (0.00025%); highest among the groups gnomAD compares: Non-Finnish European, 0.00034%; no homozygotes.

Submission:

GeneDx
Classification: Uncertain significance. Last evaluated: 2024-10-09. Review status: criteria provided, single submitter. Criteria: GeneDx Variant Classification Process June 2021. Collection method: clinical testing. Allele origin: germline. Affected: yes.
Comment: Not observed at significant frequency in large population cohorts (gnomAD); In silico analysis supports that this missense variant has a deleterious effect on protein structure/function; Has not been previously published as pathogenic or benign to our knowledge